The following is an entry in ClinVar:

ClinVar aggregate classification (germline): Conflicting classifications of pathogenicity. Review status: criteria provided, conflicting classifications (1 of 4 stars). 2 submissions from 2 submitters: Uncertain significance (1); Benign (1). Last evaluated 2025-12-26.

Conditions:
X-linked lymphoproliferative disease due to XIAP deficiency. Also called: XIAP-Related Lymphoproliferative Disease, X-Linked; XIAP DEFICIENCY. Identifiers: Orphanet 2442, Orphanet 538934, MedGen C1845076, MONDO:0010385, OMIM 300635.

Allele frequency attached by ClinVar (database versions not stated): ExAC 0.00002; gnomAD exomes 0.00002 and 0.00005; gnomAD 0.00018 and 0.00020; TOPMed 0.00020; ESP Exome Variant Server 0.00028.
gnomAD v4.1: 42 of 1,209,888 alleles (0.0035%); highest among the groups gnomAD compares: African/African-American, 0.07%; no homozygotes.

Submissions (2):

Labcorp Genetics (formerly Invitae), Labcorp
Classification: Benign for X-linked lymphoproliferative disease due to XIAP deficiency. Last evaluated: 2025-12-26. Review status: criteria provided, single submitter. Criteria: Invitae Variant Classification Sherloc (09022015). Collection method: clinical testing. Allele origin: germline.

Women's Health and Genetics/Laboratory Corporation of America, LabCorp
Classification: Uncertain significance. Last evaluated: 2025-04-23. Review status: criteria provided, single submitter. Criteria: LabCorp Variant Classification Summary - May 2015. Collection method: clinical testing. Allele origin: germline.
Comment: Variant summary: XIAP c.455C>G (p.Thr152Ser) results in a conservative amino acid change in the encoded protein sequence. Four of five in-silico tools predict a benign effect of the variant on protein function. The variant allele was found at a frequency of 5.5e-05 in 183083 control chromosomes, predominantly at a frequency of 0.00076 within the African or African-American subpopulation in the gnomAD database. This frequency is not significantly higher than estimated for a pathogenic variant in XIAP causing X-Linked Lymphoproliferative Disease Due To XIAP Deficiency, allowing no conclusion about variant significance. To our knowledge, no occurrence of c.455C>G in individuals affected with X-Linked Lymphoproliferative Disease Due To XIAP Deficiency and no experimental evidence demonstrating its impact on protein function have been reported. ClinVar contains an entry for this variant (Variation ID: 533659). Based on the evidence outlined above, the variant was classified as uncertain significance.

NM_001167.4(XIAP):c.455C>G (p.Thr152Ser)

Gene: XIAP (X-linked inhibitor of apoptosis; plus strand). Cytogenetic location: Xq25.
Variant type: single nucleotide variant.
Coding change: c.455C>G on transcript NM_001167.4 (MANE Select); coding-DNA position 455, C replaced by G.
Protein change: p.Thr152Ser; replaces threonine 152 with serine.
Molecular consequence: missense variant.
Genome position (GRCh38, 1-based): chrX:123,886,117, C>G. VCF-style: chrX-123886117-C-G. GRCh37 (hg19) VCF-style: chrX-123019967-C-G.
Other names: c.455C>G, p.Thr152Ser (NM_001204401.2, NM_001378590.1, NM_001378591.1 and 1 more transcripts); short protein forms T152S.
Identifiers: ClinVar variation 533659 (VCV000533659.13), dbSNP rs150317928, ClinGen allele CA10508025.
Genomic context (GRCh38, chrX:123,886,117, plus strand): 5'-CATCTGAGACACATGCAGACTATCTTTTGAGAACTGGGCAGGTTGTAGATATATCAGACA[C>G]CATATACCCGAGGAACCCTGCCATGTATAGTGAAGAAGCTAGATTAAAGTCCTTTCAGAA-3'
Protein context (NP_001158.2, residues 142-162): RTGQVVDISD[Thr152Ser]IYPRNPAMYS